The following is an entry in ClinVar:

NM_006940.6(SOX5):c.2144T>G (p.Val715Gly)

Gene: SOX5 (SRY-box transcription factor 5; minus strand). Cytogenetic location: 12p12.1.
Variant type: single nucleotide variant.
Coding change: c.2144T>G on transcript NM_006940.6 (MANE Select); coding-DNA position 2144, T replaced by G.
Protein change: p.Val715Gly; replaces valine 715 with glycine.
Molecular consequence: missense variant.
Genome position (GRCh38, 1-based): chr12:23,534,367, A>C on the plus strand (T>G on the coding strand, the complement: SOX5 is on the minus strand). VCF-style: chr12-23534367-A-C. GRCh37 (hg19) VCF-style: chr12-23687301-A-C.
Other names: c.1781T>G, p.Val594Gly (NM_001261414.3); c.2114T>G, p.Val705Gly (NM_001261415.3); c.2039T>G, p.Val680Gly (NM_001330785.2); c.2105T>G, p.Val702Gly (NM_152989.5); c.986T>G, p.Val329Gly (NM_178010.4); c.2144T>G (NM_006940.4); short protein forms V329G, V594G, V680G, V702G, V705G, V715G.
Identifiers: ClinVar variation 3352296 (VCV003352296.2).

ClinVar aggregate classification (germline): Uncertain significance. Review status: criteria provided, single submitter (1 of 4 stars). 2 submissions from 2 submitters: Uncertain significance (1). 1 of the submissions does not count toward it. Last evaluated 2024-11-15.

Conditions:
SOX5-related disorder. Also called: SOX5-related condition.
Inborn genetic diseases. Identifiers: MedGen C0950123, MeSH D030342.

Submissions (2):

Ambry Genetics
Classification: Uncertain significance for Inborn genetic diseases. Last evaluated: 2024-11-15. Review status: criteria provided, single submitter. Criteria: Ambry Variant Classification Scheme 2023. Collection method: clinical testing. Allele origin: germline.

PreventionGenetics, part of Exact Sciences
Classification: Uncertain significance for SOX5-related condition. Last evaluated: 2024-03-19. Review status: no assertion criteria provided. Collection method: clinical testing. Allele origin: germline. Not counted in ClinVar's aggregate classification.
Comment: The SOX5 c.2144T>G variant is predicted to result in the amino acid substitution p.Val715Gly. To our knowledge, this variant has not been reported in the literature or in a large population database, indicating this variant is rare. At this time, the clinical significance of this variant is uncertain due to the absence of conclusive functional and genetic evidence.